The following is an entry in ClinVar:

NM_052876.4(NACC1):c.196G>A (p.Val66Met)

Gene: NACC1 (nucleus accumbens associated 1; plus strand). Cytogenetic location: 19p13.13.
Variant type: single nucleotide variant.
Coding change: c.196G>A on transcript NM_052876.4 (MANE Select); coding-DNA position 196, G replaced by A.
Protein change: p.Val66Met; replaces valine 66 with methionine.
Molecular consequence: missense variant.
Genome position (GRCh38, 1-based): chr19:13,135,403, G>A. VCF-style: chr19-13135403-G-A. GRCh37 (hg19) VCF-style: chr19-13246217-G-A.
Other names: short protein forms V66M.
Identifiers: ClinVar variation 1474784 (VCV001474784.8), dbSNP rs1437038949, ClinGen allele CA404324609.
Genomic context (GRCh38, chr19:13,135,403, plus strand): 5'-GCCGTGCTTGCTGCCAGCAGCTCCTACTTCCGGGACCTGTTCAACAACAGCCGCAGCGCC[G>A]TGGTGGAGCTGCCGGCGGCTGTGCAGCCCCAGTCTTTCCAGCAGATCCTCAGCTTCTGCT-3'
Protein context (NP_443108.1, residues 56-76): RDLFNNSRSA[Val66Met]VELPAAVQPQ

ClinVar aggregate classification (germline): Uncertain significance (1 of 4 stars; one submission).

Allele frequency attached by ClinVar (database versions not stated): gnomAD exomes below 0.00001; gnomAD 0.00001; TOPMed 0.00002.
gnomAD v4.1: 2 of 1,613,244 alleles (0.00012%); highest among the groups gnomAD compares: Non-Finnish European, 0.00017%; no homozygotes.

Submission:

Labcorp Genetics (formerly Invitae), Labcorp
Classification: Uncertain significance. Last evaluated: 2023-07-07. Review status: criteria provided, single submitter. Criteria: Invitae Variant Classification Sherloc (09022015). Collection method: clinical testing. Allele origin: germline.
Comment: In summary, the available evidence is currently insufficient to determine the role of this variant in disease. Therefore, it has been classified as a Variant of Uncertain Significance. Advanced modeling of protein sequence and biophysical properties (such as structural, functional, and spatial information, amino acid conservation, physicochemical variation, residue mobility, and thermodynamic stability) performed at Invitae indicates that this missense variant is not expected to disrupt NACC1 protein function. ClinVar contains an entry for this variant (Variation ID: 1474784). This variant has not been reported in the literature in individuals affected with NACC1-related conditions. This variant is not present in population databases (gnomAD no frequency). This sequence change replaces valine, which is neutral and non-polar, with methionine, which is neutral and non-polar, at codon 66 of the NACC1 protein (p.Val66Met).